The following is an entry in ClinVar:

ClinVar aggregate classification (germline): Pathogenic (1 of 4 stars; one submission).

Conditions:
Familial intrahepatic cholestasis. Identifiers: Orphanet 284385, MedGen CN296401, MONDO:0017290.

Submission:

Genomenon, Inc
Classification: Pathogenic for Familial intrahepatic cholestasis. Last evaluated: 2026-04-14. Review status: criteria provided, single submitter. Criteria: Genomenon Sequence Variant Interpretation Standards - Updated. Collection method: curation. Allele origin: germline. Affected: yes.
Comment: ATP8B1 c.1030-1G>A is a canonical splice variant affecting the acceptor splice site of intron 11. It is predicted to affect mRNA splicing, leading to a deleterious effect on the ATP8B1 protein. This variant has been observed in at least one proband with features of ATP8B1-deficiency (PMID:27050426). It is absent or not present at a significant frequency in gnomAD. In conclusion, we classify ATP8B1 c.1030-1G>A as a pathogenic variant.

Literature cited by the submitters: PubMed 27050426.

NM_001374385.1(ATP8B1):c.1030-1G>A

Gene: ATP8B1 (ATPase phospholipid transporting 8B1; minus strand). Cytogenetic location: 18q21.31.
Variant type: single nucleotide variant.
Coding change: c.1030-1G>A on transcript NM_001374385.1 (MANE Select); the canonical splice acceptor site of the intron before coding-DNA position 1030, G replaced by A.
Molecular consequence: splice acceptor variant.
Genome position (GRCh38, 1-based): chr18:57,691,998, C>T on the plus strand (G>A on the coding strand, the complement: ATP8B1 is on the minus strand). VCF-style: chr18-57691998-C-T. GRCh37 (hg19) VCF-style: chr18-55359230-C-T.
Other names: c.1030-1G>A (NM_005603.6); c.880-1G>A (NM_001374386.1).
Identifiers: ClinVar variation 4846383 (VCV004846383.1).